The following is an entry in ClinVar:

NM_001289080.2(CNTN6):c.1318G>T (p.Ala440Ser)

Gene: CNTN6 (contactin 6; plus strand). Cytogenetic location: 3p26.3.
Variant type: single nucleotide variant.
Coding change: c.1318G>T on transcript NM_001289080.2 (MANE Select); coding-DNA position 1318, G replaced by T.
Protein change: p.Ala440Ser; replaces alanine 440 with serine.
Molecular consequence: missense variant.
Genome position (GRCh38, 1-based): chr3:1,329,889, G>T. VCF-style: chr3-1329889-G-T. GRCh37 (hg19) VCF-style: chr3-1371573-G-T.
Other names: c.1102G>T, p.Ala368Ser (NM_001289081.2); c.1318G>T, p.Ala440Ser (NM_001349350.2, NM_001349351.2, NM_001349352.2 and 4 more transcripts); c.1210G>T, p.Ala404Ser (NM_001349356.2); c.1006G>T, p.Ala336Ser (NM_001349357.2); c.763G>T, p.Ala255Ser (NM_001349358.2); c.196G>T, p.Ala66Ser (NM_001349359.2, NM_001349360.2, NM_001349361.2 and 1 more transcripts); short protein forms A66S, A336S, A404S, A440S, A255S, A368S.
Identifiers: ClinVar variation 785029 (VCV000785029.7), dbSNP rs265771, ClinGen allele CA2226116.

ClinVar aggregate classification (germline): Benign. Review status: criteria provided, multiple submitters, no conflicts (2 of 4 stars). 3 submissions from 3 submitters: Benign (2). 1 of the submissions does not count toward it. Last evaluated 2019-12-31.

Conditions:
CNTN6-related disorder. Also called: CNTN6-related condition.

Allele frequency attached by ClinVar (database versions not stated): ExAC 0.00375; 1000 Genomes Project 0.01138; TOPMed 0.01319; ESP Exome Variant Server 0.01507; gnomAD exomes 0.00288; 1000 Genomes Project 30x 0.01265; gnomAD 0.01297 and 0.01197.
gnomAD v4.1: 3,437 of 1,609,852 alleles (0.21%); highest among the groups gnomAD compares: African/African-American, 4.2%; 78 homozygotes.

Submissions (3):

Labcorp Genetics (formerly Invitae), Labcorp
Classification: Benign. Last evaluated: 2019-12-31. Review status: criteria provided, single submitter. Criteria: Invitae Variant Classification Sherloc (09022015). Collection method: clinical testing. Allele origin: germline.

Breakthrough Genomics
Classification: Benign. Review status: criteria provided, single submitter. Criteria: ACMG Guidelines, 2015. Collection method: not provided. Allele origin: germline. Inheritance: Unknown mechanism. Affected: yes.

PreventionGenetics, part of Exact Sciences
Classification: Benign for CNTN6-related condition. Last evaluated: 2020-01-20. Review status: no assertion criteria provided. Collection method: clinical testing. Allele origin: germline. Not counted in ClinVar's aggregate classification.
Comment: This variant is classified as benign based on ACMG/AMP sequence variant interpretation guidelines (Richards et al. 2015 PMID: 25741868, with internal and published modifications).